The following is an entry in ClinVar:

NM_000498.3(CYP11B2):c.595+1del

Genes: CYP11B2 (cytochrome P450 family 11 subfamily B member 2; minus strand), LOC106799834 (CYP11B2 recombination region; plus strand). Cytogenetic location: 8q24.3.
Variant type: Deletion.
Coding change: c.595+1del on transcript NM_000498.3 (MANE Select); the canonical splice donor site of the intron after coding-DNA position 595, one base deleted (G; older notation c.595+1delG).
Molecular consequence: splice donor variant.
Genome position (GRCh38, 1-based): chr8:142,915,045, C deleted on the plus strand (G on the coding strand, the reverse complement: CYP11B2 is on the minus strand); the first of 2 consecutive C bases (chr8:142,915,045-142,915,046); deleting either gives the same sequence. VCF-style (leftmost placement, unchanged base first): chr8-142915044-AC-A. GRCh37 (hg19) VCF-style: chr8-143996460-AC-A.
Identifiers: ClinVar variation 1387027 (VCV001387027.8), dbSNP rs2130330589, ClinGen allele CA2544989341.

ClinVar aggregate classification (germline): Pathogenic (1 of 4 stars; one submission).

Submission:

Labcorp Genetics (formerly Invitae), Labcorp
Classification: Pathogenic. Last evaluated: 2021-06-27. Review status: criteria provided, single submitter. Criteria: Invitae Variant Classification Sherloc (09022015). Collection method: clinical testing. Allele origin: germline.
Comment: For these reasons, this variant has been classified as Pathogenic. This sequence change creates a premature translational stop signal (p.Ala199Profs*4) in the CYP11B2 gene. It is expected to result in an absent or disrupted protein product. Loss-of-function variants in CYP11B2 are known to be pathogenic (PMID: 20494601, 22801770, 26936515). This variant is not present in population databases (ExAC no frequency). This variant has not been reported in the literature in individuals with CYP11B2-related conditions. This variant is also known as c.595+1del. Nucleotide substitutions within the consensus splice site are a relatively common cause of aberrant splicing (PMID: 17576681, 9536098). Algorithms developed to predict the effect of sequence changes on RNA splicing suggest that this variant may disrupt the consensus splice site, but this prediction has not been confirmed by published transcriptional studies.

Literature cited by the submitters: PubMed 20494601; PubMed 22801770; PubMed 26936515; PubMed 17576681; PubMed 9536098.